The following is an entry in ClinVar:

ClinVar aggregate classification (germline): Uncertain significance (1 of 4 stars; one submission).

Conditions:
Neuroblastoma, susceptibility to, 3. Also called: ALK-Related Neuroblastic Tumor Susceptibility. Identifiers: Orphanet 635, MedGen C2751681, MONDO:0013083, OMIM 613014.

Submission:

Labcorp Genetics (formerly Invitae), Labcorp
Classification: Uncertain significance for Neuroblastoma, susceptibility to, 3. Last evaluated: 2022-05-17. Review status: criteria provided, single submitter. Criteria: Invitae Variant Classification Sherloc (09022015). Collection method: clinical testing. Allele origin: germline.
Comment: This variant is not present in population databases (gnomAD no frequency). This sequence change replaces glycine, which is neutral and non-polar, with cysteine, which is neutral and slightly polar, at codon 881 of the ALK protein (p.Gly881Cys). This variant has not been reported in the literature in individuals affected with ALK-related conditions. In summary, the available evidence is currently insufficient to determine the role of this variant in disease. Therefore, it has been classified as a Variant of Uncertain Significance. Algorithms developed to predict the effect of missense changes on protein structure and function (SIFT, PolyPhen-2, Align-GVGD) all suggest that this variant is likely to be disruptive.

NM_004304.5(ALK):c.2641G>T (p.Gly881Cys)

Gene: ALK (ALK receptor tyrosine kinase; minus strand). Cytogenetic location: 2p23.2.
Variant type: single nucleotide variant.
Coding change: c.2641G>T on transcript NM_004304.5 (MANE Select); coding-DNA position 2641, G replaced by T.
Protein change: p.Gly881Cys; replaces glycine 881 with cysteine.
Molecular consequence: missense variant.
Genome position (GRCh38, 1-based): chr2:29,229,058, C>A on the plus strand (G>T on the coding strand, the complement: ALK is on the minus strand). VCF-style: chr2-29229058-C-A. GRCh37 (hg19) VCF-style: chr2-29451924-C-A.
Other names: short protein forms G881C.
Identifiers: ClinVar variation 1995694 (VCV001995694.4), dbSNP rs1256624924, ClinGen allele CA346470102.